The following is an entry in ClinVar:

ClinVar aggregate classification (germline): Likely benign (1 of 4 stars; one submission).

Allele frequency attached by ClinVar (database versions not stated): gnomAD 0.00001; ExAC 0.00002; gnomAD exomes 0.00002; TOPMed 0.00002.
gnomAD v4.1: 34 of 1,613,950 alleles (0.0021%); highest among the groups gnomAD compares: Middle Eastern, 0.049%; no homozygotes.

Submission:

CeGaT Center for Human Genetics Tuebingen
Classification: Likely benign. Last evaluated: 2023-11-01. Review status: criteria provided, single submitter. Criteria: CeGaT Center For Human Genetics Tuebingen Variant Classification Criteria Version 2. Collection method: clinical testing. Allele origin: germline. Affected: yes. Observed: 1 variant allele.
Comment: ITGAE: BP4, BP7

NM_002208.5(ITGAE):c.1155C>T (p.Asn385=)

Gene: ITGAE (integrin subunit alpha E; minus strand). Cytogenetic location: 17p13.2.
Variant type: single nucleotide variant.
Coding change: c.1155C>T on transcript NM_002208.5 (MANE Select); coding-DNA position 1155, C replaced by T.
Protein change: p.Asn385=; no amino-acid change (asparagine 385 retained).
Molecular consequence: synonymous variant.
Genome position (GRCh38, 1-based): chr17:3,757,000, G>A on the plus strand (C>T on the coding strand, the complement: ITGAE is on the minus strand). VCF-style: chr17-3757000-G-A. GRCh37 (hg19) VCF-style: chr17-3660294-G-A.
Identifiers: ClinVar variation 2647241 (VCV002647241.24), dbSNP rs745951125, ClinGen allele CA8294454.
Genomic context (GRCh38, chr17:3,757,000, plus strand): 5'-TAGGCTCGGGCCTCCTGCGGTGGCCTGGGTCCCGGAGCCCTCACCTTCCATGCTGATGAT[G>A]TTGTACCGCAGTTTGCTCAGCAGCCCATCCAGCGCCATGTAGTTGGTCACCTTGAAAGCA-3'
Protein context (NP_002199.3, residues 375-395): LDGLLSKLRY[Asn385=]IISMEGTVGD